The following is an entry in ClinVar:

ClinVar aggregate classification (germline): Benign (1 of 4 stars; one submission).

Allele frequency attached by ClinVar (database versions not stated): gnomAD 0.04193 and 0.04476; TOPMed 0.04713; 1000 Genomes Project 0.04912; 1000 Genomes Project 30x 0.05262.
gnomAD v4.1: 6,321 of 152,248 alleles (4.2%); highest among the groups gnomAD compares: African/African-American, 14%; 412 homozygotes.

Submission:

GeneDx
Classification: Benign. Last evaluated: 2018-06-16. Review status: criteria provided, single submitter. Criteria: GeneDx Variant Classification (06012015). Collection method: clinical testing. Allele origin: germline. Affected: yes.
Comment: This variant is considered likely benign or benign based on one or more of the following criteria: it is a conservative change, it occurs at a poorly conserved position in the protein, it is predicted to be benign by multiple in silico algorithms, and/or has population frequency not consistent with disease.

NM_001035.3(RYR2):c.11881-254A>G

Gene: RYR2 (ryanodine receptor 2; plus strand). Cytogenetic location: 1q43.
Variant type: single nucleotide variant.
Coding change: c.11881-254A>G on transcript NM_001035.3 (MANE Select); 254 bases into the intron before coding-DNA position 11881, A replaced by G.
Molecular consequence: intron variant.
Genome position (GRCh38, 1-based): chr1:237,781,311, A>G. VCF-style: chr1-237781311-A-G. GRCh37 (hg19) VCF-style: chr1-237944611-A-G.
Identifiers: ClinVar variation 669000 (VCV000669000.1), dbSNP rs116667480, ClinGen allele CA39825265.